The following is an entry in ClinVar:

NM_000548.5(TSC2):c.3095G>C (p.Arg1032Pro)

Gene: TSC2 (TSC complex subunit 2; plus strand). Cytogenetic location: 16p13.3.
Variant type: single nucleotide variant.
Coding change: c.3095G>C on transcript NM_000548.5 (MANE Select); coding-DNA position 3095, G replaced by C.
Protein change: p.Arg1032Pro; replaces arginine 1032 with proline.
Molecular consequence: missense variant.
Genome position (GRCh38, 1-based): chr16:2,079,160, G>C. VCF-style: chr16-2079160-G-C. GRCh37 (hg19) VCF-style: chr16-2129161-G-C.
Other names: c.2963G>C, p.Arg988Pro (NM_001077183.3, NM_001370404.1); c.3095G>C, p.Arg1032Pro (NM_001114382.3); c.2855G>C, p.Arg952Pro (NM_001318827.2); c.2819G>C, p.Arg940Pro (NM_001318829.2); c.2363G>C, p.Arg788Pro (NM_001318831.2); c.2996G>C, p.Arg999Pro (NM_001318832.2); c.2966G>C, p.Arg989Pro (NM_001363528.2, NM_001370405.1, NM_021055.3); short protein forms R1032P, R952P, R988P, R940P, R788P, R989P, R999P.
Identifiers: ClinVar variation 49241 (VCV000049241.13), dbSNP rs45491698, ClinGen allele CA018497.

ClinVar aggregate classification (germline): Pathogenic/Likely pathogenic. Review status: criteria provided, multiple submitters, no conflicts (2 of 4 stars). 8 submissions from 8 submitters: Pathogenic (3); Likely pathogenic (4). 1 of the submissions does not count toward it. Last evaluated 2026-02-16.

Conditions:
TSC2-related disorder. Also called: TSC2-Related Disorders; TSC2-related condition.
Tuberous sclerosis syndrome (TSC). Also called: Tuberous Sclerosis Complex; Tuberous sclerosis. Identifiers: Orphanet 805, MedGen C0041341, MONDO:0001734.
Tuberous sclerosis 2 (TSC2). Identifiers: Orphanet 805, MedGen C1860707, MONDO:0013199, OMIM 613254.

Submissions (8):

Cambridge Genomics Laboratory, East Genomic Laboratory Hub, NHS Genomic Medicine Service
Classification: Likely pathogenic for Tuberous sclerosis. Last evaluated: 2026-02-16. Review status: criteria provided, single submitter. Criteria: ACGS Best Practice Guidelines for Variant Classification in Rare Disease 2020. Collection method: clinical testing. Allele origin: germline. Affected: yes.
Comment: PS3_Supporting,PS4_Moderate,PM2,PP3,PP4

Labcorp Genetics (formerly Invitae), Labcorp
Classification: Pathogenic for Tuberous sclerosis 2. Last evaluated: 2024-11-09. Review status: criteria provided, single submitter. Criteria: Invitae Variant Classification Sherloc (09022015). Collection method: clinical testing. Allele origin: germline.
Comment: This sequence change replaces arginine, which is basic and polar, with proline, which is neutral and non-polar, at codon 1032 of the TSC2 protein (p.Arg1032Pro). This variant is not present in population databases (gnomAD no frequency). This missense change has been observed in individual(s) with tuberous sclerosis complex (TSC) (PMID: 21520333). In at least one individual the variant was observed to be de novo. ClinVar contains an entry for this variant (Variation ID: 49241). Invitae Evidence Modeling of protein sequence and biophysical properties (such as structural, functional, and spatial information, amino acid conservation, physicochemical variation, residue mobility, and thermodynamic stability) indicates that this missense variant is expected to disrupt TSC2 protein function with a positive predictive value of 80%. Experimental studies have shown that this missense change affects TSC2 function (PMID: 21309039). For these reasons, this variant has been classified as Pathogenic.

GeneDx
Classification: Pathogenic. Last evaluated: 2024-10-14. Review status: criteria provided, single submitter. Criteria: GeneDx Variant Classification Process June 2021. Collection method: clinical testing. Allele origin: germline. Affected: yes.
Comment: Published functional studies demonstrate a damaging effect and indicate that this variant disrupts the TSC1 TSC2 complex and is pathogenic (PMID: 21309039); Not observed at significant frequency in large population cohorts (gnomAD); In silico analysis supports that this missense variant has a deleterious effect on protein structure/function; This variant is associated with the following publications: (PMID: 31454656, 15798777, 31855466, 32555378, 21309039, 36232477)

Blueprint Genetics
Classification: Pathogenic for TSC2-related disorders. Last evaluated: 2023-01-13. Review status: criteria provided, single submitter. Criteria: ACMG Guidelines, 2015. Collection method: clinical testing. Allele origin: germline. Affected: yes. Observed: 1 variant allele.

Genome-Nilou Lab
Classification: Likely pathogenic for Tuberous sclerosis 2. Last evaluated: 2021-11-07. Review status: criteria provided, single submitter. Criteria: ACMG Guidelines, 2015. Collection method: clinical testing. Allele origin: germline. Affected: no.

Division of Genomic Medicine, Department of Advanced Medicine, Medical Research Institute, Kanazawa Medical University
Classification: Likely pathogenic for Tuberous sclerosis 2. Last evaluated: 2020-07-10. Review status: criteria provided, single submitter. Criteria: ACMG Guidelines, 2015. Collection method: clinical testing. Allele origin: germline. Affected: yes. Observed: 1 variant allele.

Athena Diagnostics
Classification: Likely pathogenic for Tuberous sclerosis 2. Last evaluated: 2015-07-09. Review status: criteria provided, single submitter. Criteria: Athena Diagnostics Criteria. Collection method: clinical testing. Allele origin: germline. Inheritance: Autosomal dominant inheritance.

Tuberous sclerosis database (TSC2)
No classification provided. Condition: TSC. Review status: no classification provided. Criteria: Tuberous Sclerosis Database Assertion Criteria 2015. Collection method: curation. Allele origin: germline. Affected: yes. Not counted in ClinVar's aggregate classification.

Literature cited by the submitters: PubMed 21520333 (cited by Labcorp Genetics (formerly Invitae), Labcorp); PubMed 21309039 (cited by Labcorp Genetics (formerly Invitae), Labcorp and Athena Diagnostics).